The following is an entry in ClinVar:

ClinVar aggregate classification (germline): Uncertain significance (1 of 4 stars; one submission).

Conditions:
Hereditary cancer-predisposing syndrome. Also called: Neoplastic Syndromes, Hereditary; Tumor predisposition; Hereditary neoplastic syndrome; Hereditary Cancer Syndrome. Identifiers: Orphanet 140162, MedGen C0027672, MeSH D009386, MONDO:0015356.

Submission:

Ambry Genetics
Classification: Uncertain significance for Hereditary cancer-predisposing syndrome. Last evaluated: 2023-11-21. Review status: criteria provided, single submitter. Criteria: Ambry Variant Classification Scheme 2023. Collection method: clinical testing. Allele origin: germline.
Comment: The p.A163P variant (also known as c.487G>C), located in coding exon 6 of the MUTYH gene, results from a G to C substitution at nucleotide position 487. The alanine at codon 163 is replaced by proline, an amino acid with highly similar properties. This amino acid position is conserved. In addition, the in silico prediction for this alteration is inconclusive. Since supporting evidence is limited at this time, the clinical significance of this alteration remains unclear.

NM_001048174.2(MUTYH):c.403G>C (p.Ala135Pro)

Gene: MUTYH (mutY DNA glycosylase; minus strand). Cytogenetic location: 1p34.1.
Variant type: single nucleotide variant.
Coding change: c.403G>C on transcript NM_001048174.2 (MANE Select); coding-DNA position 403, G replaced by C.
Protein change: p.Ala135Pro; replaces alanine 135 with proline.
Molecular consequence: missense variant. On other transcripts: non-coding transcript variant (6), intron variant (4).
Genome position (GRCh38, 1-based): chr1:45,332,935, C>G on the plus strand (G>C on the coding strand, the complement: MUTYH is on the minus strand). VCF-style: chr1-45332935-C-G. GRCh37 (hg19) VCF-style: chr1-45798607-C-G.
Other names: c.436G>C, p.Ala146Pro (NM_001293191.2, NM_001407077.1); c.127G>C, p.Ala43Pro (NM_001293192.2, NM_001293196.2, NM_001407091.1); c.403G>C, p.Ala135Pro (NM_001293195.2, NM_001407070.1, NM_001407072.1 and 5 more transcripts); c.58G>C, p.Ala20Pro (NM_001350650.2, NM_001350651.2, NM_001407082.1); c.406G>C, p.Ala136Pro (NM_001407071.1, NM_001407078.1, NM_001407086.1 and 1 more transcripts); c.319G>C, p.Ala107Pro (NM_001407075.1); c.445G>C, p.Ala149Pro (NM_001407083.1, NM_001407085.1); c.424G>C, p.Ala142Pro (NM_001407087.1); and 7 more; short protein forms A107P, A135P, A136P, A142P, A146P, A149P, A150P, A160P.
Identifiers: ClinVar variation 3233044 (VCV003233044.1), dbSNP rs1570427764, ClinGen allele CA340135955.